The following is an entry in ClinVar:

NM_002473.6(MYH9):c.3915G>A (p.Ala1305=)

Gene: MYH9 (myosin heavy chain 9; minus strand). Cytogenetic location: 22q12.3.
Variant type: single nucleotide variant.
Coding change: c.3915G>A on transcript NM_002473.6 (MANE Select); coding-DNA position 3915, G replaced by A.
Protein change: p.Ala1305=; no amino-acid change (alanine 1305 retained).
Molecular consequence: synonymous variant.
Genome position (GRCh38, 1-based): chr22:36,293,786, C>T on the plus strand (G>A on the coding strand, the complement: MYH9 is on the minus strand). VCF-style: chr22-36293786-C-T. GRCh37 (hg19) VCF-style: chr22-36689832-C-T.
Identifiers: ClinVar variation 341508 (VCV000341508.11), dbSNP rs183685723, ClinGen allele CA10209520.

ClinVar aggregate classification (germline): Conflicting classifications of pathogenicity. Review status: criteria provided, conflicting classifications (1 of 4 stars). 4 submissions from 3 submitters: Uncertain significance (1); Benign (2); Likely benign (1). Last evaluated 2025-11-03.

Conditions:
MYH9-related disorder. Identifiers: MedGen C1854520.
Autosomal dominant nonsyndromic hearing loss 17. Also called: Autosomal dominant nonsyndromic deafness 17; Deafness, autosomal dominant 17. Identifiers: Orphanet 90635, MedGen C1863659, MONDO:0011350, OMIM 603622.

Allele frequency attached by ClinVar (database versions not stated): gnomAD exomes 0.00002 and 0.00005; ExAC 0.00004; gnomAD 0.00004 and 0.00005; TOPMed 0.00004; 1000 Genomes Project 0.00020; 1000 Genomes Project 30x 0.00031.
gnomAD v4.1: 46 of 1,613,816 alleles (0.0029%); highest among the groups gnomAD compares: Admixed American, 0.012%; no homozygotes.

Submissions (4):

Labcorp Genetics (formerly Invitae), Labcorp
Classification: Benign. Last evaluated: 2025-11-03. Review status: criteria provided, single submitter. Criteria: Invitae Variant Classification Sherloc (09022015). Collection method: clinical testing. Allele origin: germline.

Illumina Laboratory Services, Illumina
Classification: Benign for MYH9-related disorder. Last evaluated: 2018-01-13. Review status: criteria provided, single submitter. Criteria: ICSL Variant Classification Criteria 13 December 2019. Collection method: clinical testing. Allele origin: germline.
Comment: This variant was observed in the ICSL laboratory as part of a predisposition screen in an ostensibly healthy population. It had not been previously curated by ICSL or reported in the Human Gene Mutation Database (HGMD: prior to June 1st, 2018), and was therefore a candidate for classification through an automated scoring system. Utilizing variant allele frequency, disease prevalence and penetrance estimates, and inheritance mode, an automated score was calculated to assess if this variant is too frequent to cause the disease. Based on the score and internal cut-off values, a variant classified as benign is not then subjected to further curation. The score for this variant resulted in a classification of benign for this disease.

Illumina Laboratory Services, Illumina
Classification: Uncertain significance for Autosomal dominant nonsyndromic hearing loss 17. Last evaluated: 2018-01-13. Review status: criteria provided, single submitter. Criteria: ICSL Variant Classification Criteria 13 December 2019. Collection method: clinical testing. Allele origin: germline.

Laboratory for Molecular Medicine, Mass General Brigham Personalized Medicine
Classification: Likely benign. Last evaluated: 2016-05-02. Review status: criteria provided, single submitter. Criteria: LMM Criteria. Collection method: clinical testing. Allele origin: germline. Observed: 1 variant allele.
Comment: p.Ala1305Ala in exon 29 of MYH9: This variant is not expected to have clinical s ignificance because it does not alter an amino acid residue and is not located w ithin the splice consensus sequence. It has been identified in 2/65550 European chromosomes by the Exome Aggregation Consortium (ExAC; dbSNP rs183685723).